The following is an entry in ClinVar:

ClinVar aggregate classification (germline): Uncertain significance (1 of 4 stars; one submission).

Submission:

GeneDx
Classification: Uncertain significance. Last evaluated: 2019-06-24. Review status: criteria provided, single submitter. Criteria: GeneDx Variant Classification Process June 2021. Collection method: clinical testing. Allele origin: germline. Affected: yes.
Comment: Not observed in large population cohorts (Lek et al., 2016); In silico analysis, which includes protein predictors and evolutionary conservation, supports that this variant does not alter protein structure/function; Has not been previously published as pathogenic or benign to our knowledge

NM_001378183.1(PIEZO2):c.1926_1934del (p.Glu645_Glu647del)

Gene: PIEZO2 (piezo type mechanosensitive ion channel component 2; minus strand). Cytogenetic location: 18p11.22.
Variant type: Deletion.
Coding change: c.1926_1934del on transcript NM_001378183.1 (MANE Select); coding-DNA positions 1926 to 1934, 9 bases deleted (GGAGGAAGA; older notation c.1926_1934delGGAGGAAGA).
Protein change: p.Glu645_Glu647del.
Molecular consequence: inframe deletion.
Genome position (GRCh38, 1-based): chr18:10,789,314-10,789,322, TCTTCCTCC deleted on the plus strand (GGAGGAAGA on the coding strand, the reverse complement: PIEZO2 is on the minus strand); deleting any 9 consecutive bases within chr18:10,789,314-10,789,326 gives the same sequence; the c. name uses the placement nearest the transcript's 3' end. VCF-style (leftmost placement, unchanged base first): chr18-10789313-TTCTTCCTCC-T. GRCh37 (hg19) VCF-style: chr18-10789311-TTCTTCCTCC-T.
Other names: c.1926_1934del, p.Glu645_Glu647del (NM_022068.4).
Identifiers: ClinVar variation 1306575 (VCV001306575.2), dbSNP rs2039334969, ClinGen allele CA987790129.